The following is an entry in ClinVar:

NM_000053.4(ATP7B):c.2447+2T>C

Gene: ATP7B (ATPase copper transporting beta; minus strand). Cytogenetic location: 13q14.3.
Variant type: single nucleotide variant.
Coding change: c.2447+2T>C on transcript NM_000053.4 (MANE Select); the canonical splice donor site of the intron after coding-DNA position 2447, T replaced by C.
Molecular consequence: splice donor variant. On other transcripts: intron variant (1).
Genome position (GRCh38, 1-based): chr13:51,957,514, A>G on the plus strand (T>C on the coding strand, the complement: ATP7B is on the minus strand). VCF-style: chr13-51957514-A-G. GRCh37 (hg19) VCF-style: chr13-52531650-A-G.
Other names: c.1961+2T>C (NM_001406541.1, NM_001005918.3, NM_001406546.1 and 1 more transcripts); c.2195+2T>C (NM_001406531.1, NM_001406532.1, NM_001406540.1 and 1 more transcripts); c.2213+2T>C (NM_001406527.1, NM_001406528.1, NM_001406534.1 and 2 more transcripts); c.2303+2T>C (NM_001406537.1, NM_001406521.1, NM_001406522.1 and 1 more transcripts); c.2447+2T>C (NM_001406513.1, NM_001406511.1, NM_001406516.1 and 7 more transcripts); c.2099+2T>C (NM_001406543.1); c.2114+2T>C (NM_001243182.2); c.1286-7353T>C (NM_001406548.1); and 8 more.
Identifiers: ClinVar variation 4063554 (VCV004063554.2).

ClinVar aggregate classification (germline): Pathogenic (1 of 4 stars; one submission).

Conditions:
Wilson disease (WND). Also called: Wilson's disease. Identifiers: Orphanet 905, MedGen C0019202, MONDO:0010200, OMIM 277900. Disease mechanism: loss of function.

gnomAD v4.1: 1 of 1,612,676 alleles (0.000062%); no homozygotes.

Submission:

Natera, Inc.
Classification: Pathogenic for Wilson disease. Last evaluated: 2025-03-09. Review status: criteria provided, single submitter. Criteria: Natera Variant Classification Schema (03/2026). Collection method: clinical testing. Allele origin: germline.
Comment: The c.2447+2T>C variant in ATP7B is a canonical splice donor site variant predicted to affect pre-mRNA splicing, which may result in an abnormal transcript and altered protein product. This variant is expected to result in nonsense mediated decay, truncation, or a dysfunctional protein product. This variant is rare in the general population with a frequency below the threshold expected for the associated phenotype(s). This variant has been observed in one or more individuals affected with the associated recessive disease, as either homozygous or compound heterozygous with a second variant (PMID: 30232804). Given the available evidence, this variant is classified as Pathogenic.

Literature cited by the submitters: PubMed 30232804.